The following is an entry in ClinVar:

NM_001164508.2(NEB):c.18828G>A (p.Trp6276Ter)

Gene: NEB (nebulin; minus strand). Cytogenetic location: 2q23.3.
Variant type: single nucleotide variant.
Coding change: c.18828G>A on transcript NM_001164508.2 (MANE Select); coding-DNA position 18828, G replaced by A.
Protein change: p.Trp6276Ter; replaces tryptophan 6276 with a stop codon.
Molecular consequence: nonsense.
Genome position (GRCh38, 1-based): chr2:151,562,674, C>T on the plus strand (G>A on the coding strand, the complement: NEB is on the minus strand). VCF-style: chr2-151562674-C-T. GRCh37 (hg19) VCF-style: chr2-152419188-C-T.
Other names: c.18828G>A, p.Trp6276Ter (NM_001164507.2, NM_001271208.2); c.13725G>A, p.Trp4575Ter (NM_004543.5); short protein forms W4575*, W6276*.
Identifiers: ClinVar variation 1378946 (VCV001378946.6), dbSNP rs2153711477, ClinGen allele CA348797576.
Genomic context (GRCh38, chr2:151,562,674, plus strand): 5'-ACTCAAGATCTCCTGGGCGTTTCGGACGCGTATAACATTGGGTTCTTCCAGAAGAGACGT[C>T]CACTGGTGGAAATAGTGTCGATACTCCAGGTCACTGAGGATGTACTGGCACCTTTTAGCC-3'

ClinVar aggregate classification (germline): Pathogenic (1 of 4 stars; one submission).

Conditions:
Nemaline myopathy 2 (NEM2). Also called: Nemaline myopathy 2, autosomal recessive. Identifiers: MedGen C1850569, MONDO:0009725, OMIM 256030.

Submission:

Labcorp Genetics (formerly Invitae), Labcorp
Classification: Pathogenic for Nemaline myopathy 2. Last evaluated: 2021-09-10. Review status: criteria provided, single submitter. Criteria: Invitae Variant Classification Sherloc (09022015). Collection method: clinical testing. Allele origin: germline.
Comment: For these reasons, this variant has been classified as Pathogenic. This sequence change creates a premature translational stop signal (p.Trp6276*) in the NEB gene. It is expected to result in an absent or disrupted protein product. Loss-of-function variants in NEB are known to be pathogenic (PMID: 25205138). This variant is not present in population databases (ExAC no frequency). This variant has not been reported in the literature in individuals affected with NEB-related conditions.

Literature cited by the submitters: PubMed 25205138.